The following is an entry in ClinVar:

NM_001009944.3(PKD1):c.11765G>A (p.Trp3922Ter)

Gene: PKD1 (polycystin 1, transient receptor potential channel interacting; minus strand). Cytogenetic location: 16p13.3.
Variant type: single nucleotide variant.
Coding change: c.11765G>A on transcript NM_001009944.3 (MANE Select); coding-DNA position 11765, G replaced by A.
Protein change: p.Trp3922Ter; replaces tryptophan 3922 with a stop codon.
Molecular consequence: nonsense.
Genome position (GRCh38, 1-based): chr16:2,091,122, C>T on the plus strand (G>A on the coding strand, the complement: PKD1 is on the minus strand). VCF-style: chr16-2091122-C-T. GRCh37 (hg19) VCF-style: chr16-2141123-C-T.
Other names: c.11762G>A, p.Trp3921Ter (NM_000296.4); short protein forms W3922*, W3921*.
Identifiers: ClinVar variation 3578900 (VCV003578900.2).

ClinVar aggregate classification (germline): Pathogenic. Review status: criteria provided, multiple submitters, no conflicts (2 of 4 stars). 2 submissions from 2 submitters: Pathogenic (2). Last evaluated 2024-05-21.

Conditions:
Polycystic kidney disease, adult type (PKD1). Also called: Polycystic Kidney, Autosomal Dominant; POLYCYSTIC KIDNEY DISEASE, ADULT, TYPE I; Polycystic Kidney Disease 1, Autosomal Dominant; Polycystic kidney disease 1; Polycystic kidney disease 1, severe; POLYCYSTIC KIDNEY DISEASE 1 WITH OR WITHOUT POLYCYSTIC LIVER DISEASE. Identifiers: MedGen C3149841, MONDO:0008263, OMIM 173900.

Submissions (2):

Fulgent Genetics
Classification: Pathogenic for Polycystic kidney disease, adult type. Last evaluated: 2024-05-21. Review status: criteria provided, single submitter. Criteria: ACMG Guidelines, 2015. Collection method: clinical testing. Allele origin: germline.

Juno Genomics, Hangzhou Juno Genomics, Inc
Classification: Pathogenic for Polycystic kidney disease, adult type. Review status: criteria provided, single submitter. Criteria: ACMG Guidelines, 2015. Collection method: clinical testing. Allele origin: germline. Affected: yes.
Comment: Absent from controls (or at extremely low frequency if recessive) in Genome Aggregation Database.;Null variant in a gene where loss of function (LOF) is a known mechanism of disease.;The prevalence of the variant in affected individuals is significantly increased compared to the prevalence in controls.;Patient's phenotype or family history is highly specific for a disease with a single genetic etiology.